The following is an entry in ClinVar:

NM_015909.4(NBAS):c.1501C>T (p.Arg501Ter)

Gene: NBAS (NBAS subunit of NRZ tethering complex; minus strand). Cytogenetic location: 2p24.3.
Variant type: single nucleotide variant.
Coding change: c.1501C>T on transcript NM_015909.4 (MANE Select); coding-DNA position 1501, C replaced by T.
Protein change: p.Arg501Ter; replaces arginine 501 with a stop codon.
Molecular consequence: nonsense. On other transcripts: non-coding transcript variant (1).
Genome position (GRCh38, 1-based): chr2:15,474,165, G>A on the plus strand (C>T on the coding strand, the complement: NBAS is on the minus strand). VCF-style: chr2-15474165-G-A. GRCh37 (hg19) VCF-style: chr2-15614289-G-A.
Other names: short protein forms R501*.
Identifiers: ClinVar variation 617878 (VCV000617878.8), dbSNP rs759960319, ClinGen allele CA1536670.

ClinVar aggregate classification (germline): Pathogenic/Likely pathogenic. Review status: criteria provided, multiple submitters, no conflicts (2 of 4 stars). 3 submissions from 3 submitters: Pathogenic (1); Likely pathogenic (1). 1 of the submissions does not count toward it. Last evaluated 2025-08-10.

Conditions:
Infantile liver failure syndrome 2 (ILFS2). Identifiers: MedGen C3809651, MONDO:0014659, OMIM 616483.

Allele frequency attached by ClinVar (database versions not stated): TOPMed below 0.00001; ExAC 0.00001; gnomAD 0.00001.
gnomAD v4.1: 15 of 1,613,952 alleles (0.00093%); highest among the groups gnomAD compares: South Asian, 0.0033%; no homozygotes.

Submissions (3):

Labcorp Genetics (formerly Invitae), Labcorp
Classification: Pathogenic. Last evaluated: 2025-08-10. Review status: criteria provided, single submitter. Criteria: Invitae Variant Classification Sherloc (09022015). Collection method: clinical testing. Allele origin: germline.
Comment: This sequence change creates a premature translational stop signal (p.Arg501*) in the NBAS gene. It is expected to result in an absent or disrupted protein product. Loss-of-function variants in NBAS are known to be pathogenic (PMID: 26073778, 26541327, 27789416, 28031453). This variant is present in population databases (rs759960319, gnomAD 0.009%). This premature translational stop signal has been observed in individual(s) with NBAS-related conditions (PMID: 30825388). ClinVar contains an entry for this variant (Variation ID: 617878). For these reasons, this variant has been classified as Pathogenic.

Genetics and Molecular Pathology, SA Pathology
Classification: Likely pathogenic for Infantile liver failure syndrome 2. Last evaluated: 2021-05-18. Review status: criteria provided, single submitter. Criteria: ACMG Guidelines, 2015. Collection method: clinical testing. Allele origin: germline. Inheritance: Autosomal recessive inheritance. Affected: yes.
Comment: The NBAS c.1501C>T variant is a single nucleotide change which is predicted to result in premature termination of the protein product at codon 501 (PVS1). This variant has been identified in a patient with short stature, hypogammaglobinaemia, ocular involvement, and elevated liver transaminases (PMID:30825388) (PS4_mod). This variant is in dbSNP (rs759960319) but is rare in population databases (gnomAD 4/251424, 0 homozygotes). This variant has been reported in ClinVar as pathogenic for Infantile liver failure syndrome 2 by another diagnostic laboratory (ClinVar Variation ID: 609275). The NBAS c.1501C>T variant is classified as LIKELY PATHOGENIC (PS4_mod, PVS1)

Laboratory of Medical Genetics, University of Torino
Classification: Pathogenic for Infantile liver failure syndrome 2. Last evaluated: 2018-11-07. Review status: no assertion criteria provided. Collection method: clinical testing. Allele origin: inherited. Affected: yes. Observed: 1 variant allele. Not counted in ClinVar's aggregate classification.
Comment: Found in compound heterozygosity with c.6840G>A

Literature cited by the submitters: PubMed 26073778 (cited by Labcorp Genetics (formerly Invitae), Labcorp); PubMed 26541327 (cited by Labcorp Genetics (formerly Invitae), Labcorp); PubMed 27789416 (cited by Labcorp Genetics (formerly Invitae), Labcorp); PubMed 28031453 (cited by Labcorp Genetics (formerly Invitae), Labcorp); PubMed 30825388 (cited by Labcorp Genetics (formerly Invitae), Labcorp and Genetics and Molecular Pathology, SA Pathology).